The following is an entry in ClinVar:

ClinVar aggregate classification (germline): Benign/Likely benign. Review status: criteria provided, multiple submitters, no conflicts (2 of 4 stars). 3 submissions from 3 submitters: Benign (1); Likely benign (2). Last evaluated 2024-03-07.

Conditions:
Familial adenomatous polyposis 1 (FAP1). Also called: POLYPOSIS, ADENOMATOUS INTESTINAL; FAMILIAL ADENOMATOUS POLYPOSIS 1, ATTENUATED. Identifiers: MedGen C2713442, MONDO:0021056, OMIM 175100. Disease mechanism: loss of function.
Hereditary cancer-predisposing syndrome. Also called: Hereditary Cancer Syndrome; Neoplastic Syndromes, Hereditary; Tumor predisposition; Hereditary neoplastic syndrome. Identifiers: Orphanet 140162, MedGen C0027672, MeSH D009386, MONDO:0015356.

Submissions (3):

Myriad Genetics, Inc.
Classification: Benign for Familial adenomatous polyposis 1. Last evaluated: 2024-03-07. Review status: criteria provided, single submitter. Criteria: Myriad Autosomal Dominant, Autosomal Recessive and X-Linked Classification Criteria (2023). Collection method: clinical testing. Allele origin: unknown.
Comment: This variant is considered benign. This variant is a silent/synonymous amino acid change and it is not expected to impact splicing.

Labcorp Genetics (formerly Invitae), Labcorp
Classification: Likely benign for Familial adenomatous polyposis 1. Last evaluated: 2023-08-17. Review status: criteria provided, single submitter. Criteria: Invitae Variant Classification Sherloc (09022015). Collection method: clinical testing. Allele origin: germline.

Color Diagnostics, LLC DBA Color Health
Classification: Likely benign for Hereditary cancer-predisposing syndrome. Last evaluated: 2017-07-05. Review status: criteria provided, single submitter. Criteria: ACMG Guidelines, 2015. Collection method: clinical testing. Allele origin: germline.

NM_000038.6(APC):c.1923T>C (p.Asn641=)

Gene: APC (APC regulator of Wnt signaling pathway; plus strand). Cytogenetic location: 5q22.2.
Variant type: single nucleotide variant.
Coding change: c.1923T>C on transcript NM_000038.6 (MANE Select); coding-DNA position 1923, T replaced by C.
Protein change: p.Asn641=; no amino-acid change (asparagine 641 retained).
Molecular consequence: synonymous variant.
Genome position (GRCh38, 1-based): chr5:112,835,130, T>C. VCF-style: chr5-112835130-T-C. GRCh37 (hg19) VCF-style: chr5-112170827-T-C.
Other names: c.1923T>C, p.Asn641= (NM_001127510.3, NM_001354895.2); c.1869T>C, p.Asn623= (NM_001127511.3); c.1977T>C, p.Asn659= (NM_001354896.2); c.1953T>C, p.Asn651= (NM_001354897.2); c.1848T>C, p.Asn616= (NM_001354898.2); c.1839T>C, p.Asn613= (NM_001354899.2); c.1800T>C, p.Asn600= (NM_001354900.2); c.1746T>C, p.Asn582= (NM_001354901.2); and 5 more.
Identifiers: ClinVar variation 490230 (VCV000490230.7), dbSNP rs1554083238, ClinGen allele CA445758930.